The following is an entry in ClinVar:

NM_001267727.2(ARSG):c.773A>C (p.Gln258Pro)

Gene: ARSG (arylsulfatase G; plus strand). Cytogenetic location: 17q24.2.
Variant type: single nucleotide variant.
Coding change: c.773A>C on transcript NM_001267727.2 (MANE Select); coding-DNA position 773, A replaced by C.
Protein change: p.Gln258Pro; replaces glutamine 258 with proline.
Molecular consequence: missense variant.
Genome position (GRCh38, 1-based): chr17:68,368,616, A>C. VCF-style: chr17-68368616-A-C. GRCh37 (hg19) VCF-style: chr17-66364757-A-C.
Other names: c.773A>C, p.Gln258Pro (NM_001352899.2, NM_001352900.2, NM_001352901.2 and 3 more transcripts); c.770A>C, p.Gln257Pro (NM_001352903.2, NM_001352904.2, NM_001352905.2 and 2 more transcripts); c.725A>C, p.Gln242Pro (NM_001352909.2); short protein forms Q257P, Q258P, Q242P.
Identifiers: ClinVar variation 1352757 (VCV001352757.8), dbSNP rs2146703983, ClinGen allele CA400745250.
Genomic context (GRCh38, chr17:68,368,616, plus strand): 5'-GGAGGCCCTTCCTGCTCTATGTGGCTCTGGCCCACATGCACGTGCCCTTACCTGTGACTC[A>C]GCTACCAGCAGCGCCACGGGGCAGAAGCCTGTATGGTGCAGGGCTCTGGGAGATGGACAG-3'
Protein context (NP_001254656.1, residues 248-268): AHMHVPLPVT[Gln258Pro]LPAAPRGRSL

ClinVar aggregate classification (germline): Uncertain significance (1 of 4 stars; one submission).

Submission:

Labcorp Genetics (formerly Invitae), Labcorp
Classification: Uncertain significance. Last evaluated: 2024-12-02. Review status: criteria provided, single submitter. Criteria: Invitae Variant Classification Sherloc (09022015). Collection method: clinical testing. Allele origin: germline.
Comment: This sequence change replaces glutamine, which is neutral and polar, with proline, which is neutral and non-polar, at codon 258 of the ARSG protein (p.Gln258Pro). This variant is not present in population databases (gnomAD no frequency). This variant has not been reported in the literature in individuals affected with ARSG-related conditions. ClinVar contains an entry for this variant (Variation ID: 1352757). Invitae Evidence Modeling of protein sequence and biophysical properties (such as structural, functional, and spatial information, amino acid conservation, physicochemical variation, residue mobility, and thermodynamic stability) indicates that this missense variant is not expected to disrupt ARSG protein function with a negative predictive value of 80%. In summary, the available evidence is currently insufficient to determine the role of this variant in disease. Therefore, it has been classified as a Variant of Uncertain Significance.